The following is an entry in ClinVar:

NM_000132.4(F8):c.2954C>T (p.Ser985Leu)

Gene: F8 (coagulation factor VIII; minus strand). Cytogenetic location: Xq28.
Variant type: single nucleotide variant.
Coding change: c.2954C>T on transcript NM_000132.4 (MANE Select); coding-DNA position 2954, C replaced by T.
Protein change: p.Ser985Leu; replaces serine 985 with leucine.
Molecular consequence: missense variant.
Genome position (GRCh38, 1-based): chrX:154,930,836, G>A on the plus strand (C>T on the coding strand, the complement: F8 is on the minus strand). VCF-style: chrX-154930836-G-A. GRCh37 (hg19) VCF-style: chrX-154159111-G-A.
Other names: short protein forms S985L.
Identifiers: ClinVar variation 2661868 (VCV002661868.24), dbSNP rs1557278710, ClinGen allele CA414899388.

ClinVar aggregate classification (germline): Uncertain significance (1 of 4 stars; one submission).

Allele frequency attached by ClinVar (database versions not stated): gnomAD exomes 0.00002.
gnomAD v4.1: 20 of 1,208,357 alleles (0.0017%); highest among the groups gnomAD compares: Non-Finnish European, 0.002%; no homozygotes.

Submission:

CeGaT Center for Human Genetics Tuebingen
Classification: Uncertain significance. Last evaluated: 2023-10-01. Review status: criteria provided, single submitter. Criteria: CeGaT Center For Human Genetics Tuebingen Variant Classification Criteria Version 2. Collection method: clinical testing. Allele origin: germline. Affected: yes. Observed: 1 variant allele.
Comment: F8: PM2